The following is an entry in ClinVar:

ClinVar aggregate classification (germline): Likely pathogenic (0 of 4 stars; one submission).

Conditions:
Pyruvate dehydrogenase E1-alpha deficiency (PDHAD). Also called: ATAXIA, INTERMITTENT, WITH PYRUVATE DEHYDROGENASE DEFICIENCY; ATAXIA WITH LACTIC ACIDOSIS I; ATAXIA, INTERMITTENT, WITH ABNORMAL PYRUVATE METABOLISM; Ataxia, intermittent, with pyruvate dehydrogenase, or decarboxylase, deficiency. Identifiers: Orphanet 79243, MedGen C1839413, MONDO:0010717, OMIM 312170.

Submission:

PDHA1 Study Group, University Children’s Hospital, Paracelsus Medical University
Classification: Likely pathogenic for Pyruvate dehydrogenase E1-alpha deficiency. Last evaluated: 2024-10-15. Review status: no assertion criteria provided. Collection method: research. Allele origin: germline. Affected: yes. Observed: 2 variant alleles.
Comment: The NM_000284.3:c.421C>G (p.Arg141Gly) substitution is a missense variant in PDHA1 gene.In total, 2 individuals were diagnosed with PDHA1-related Pyruvate dehydrogenase complex (PDHc) deficiency (MIM #312170). These include . The variant has been reported in 2 published cases (PMIDs: 35094435). Last literature search: July 12, 2024. This variant is absent or extremely rare in population-based cohorts in the Genome Aggregation Database (gnomAD). Individuals harboring this variant presented with clinical features compatible with PDHA1-related PDHc deficiency. In summary, this variant meets criteria to be classified as likely pathogenic (LP) for PDHA1-related PDHc deficiency based on the ACMG/AMP criteria applied: PM1, PM2, PM5, PP3 (last assessment October 15, 2024).

Literature cited by the submitters: PubMed 35094435; DOI 10.1093/brain/awaf430.

NM_000284.4(PDHA1):c.421C>G (p.Arg141Gly)

Gene: PDHA1 (pyruvate dehydrogenase E1 subunit alpha 1; plus strand). Cytogenetic location: Xp22.12.
Variant type: single nucleotide variant.
Coding change: c.421C>G on transcript NM_000284.4 (MANE Select); coding-DNA position 421, C replaced by G.
Protein change: p.Arg141Gly; replaces arginine 141 with glycine.
Molecular consequence: missense variant.
Genome position (GRCh38, 1-based): chrX:19,353,084, C>G. VCF-style: chrX-19353084-C-G. GRCh37 (hg19) VCF-style: chrX-19371202-C-G.
Other names: c.535C>G, p.Arg179Gly (NM_001173454.2); c.442C>G, p.Arg148Gly (NM_001173455.2); c.421C>G, p.Arg141Gly (NM_001173456.2); short protein forms R141G, R148G, R179G.
Identifiers: ClinVar variation 4070498 (VCV004070498.1).
Genomic context (GRCh38, chrX:19,353,084, plus strand): 5'-TTGGTTTGCTTTGTAGAGTTGGTTTGTTCTGCACATGTGTATGTTCTGCCATTTCCAGGA[C>G]GAAAAGGAGGTTGTGCTAAAGGGAAAGGAGGATCGATGCACATGTATGCCAAGAACTTCT-3'
Protein context (NP_000275.1, residues 131-151): VREILAELTG[Arg141Gly]KGGCAKGKGG